The following is an entry in ClinVar:

ClinVar aggregate classification (germline): Uncertain significance (1 of 4 stars; one submission).

Allele frequency attached by ClinVar (database versions not stated): ExAC 0.00001; gnomAD 0.00001; gnomAD exomes 0.00001; TOPMed 0.00001.
gnomAD v4.1: 11 of 1,612,398 alleles (0.00068%); highest among the groups gnomAD compares: East Asian, 0.0022%; no homozygotes.

Submission:

Labcorp Genetics (formerly Invitae), Labcorp
Classification: Uncertain significance. Last evaluated: 2022-04-01. Review status: criteria provided, single submitter. Criteria: Invitae Variant Classification Sherloc (09022015). Collection method: clinical testing. Allele origin: germline.
Comment: This sequence change replaces arginine, which is basic and polar, with histidine, which is basic and polar, at codon 94 of the SNX10 protein (p.Arg94His). This variant is present in population databases (rs762232344, gnomAD 0.01%). This variant has not been reported in the literature in individuals affected with SNX10-related conditions. Algorithms developed to predict the effect of missense changes on protein structure and function are either unavailable or do not agree on the potential impact of this missense change (SIFT: "Deleterious"; PolyPhen-2: "Probably Damaging"; Align-GVGD: "Class C0"). In summary, the available evidence is currently insufficient to determine the role of this variant in disease. Therefore, it has been classified as a Variant of Uncertain Significance.

NM_013322.3(SNX10):c.281G>A (p.Arg94His)

Gene: SNX10 (sorting nexin 10; plus strand). Cytogenetic location: 7p15.2.
Variant type: single nucleotide variant.
Coding change: c.281G>A on transcript NM_013322.3 (MANE Select); coding-DNA position 281, G replaced by A.
Protein change: p.Arg94His; replaces arginine 94 with histidine.
Molecular consequence: missense variant.
Genome position (GRCh38, 1-based): chr7:26,365,115, G>A. VCF-style: chr7-26365115-G-A. GRCh37 (hg19) VCF-style: chr7-26404735-G-A.
Other names: c.281G>A, p.Arg94His (NM_001199835.1, NM_001318199.3); c.272G>A, p.Arg91His (NM_001199837.3); c.29G>A, p.Arg10His (NM_001199838.2); c.359G>A, p.Arg120His (NM_001318198.1, NM_001362753.1, NM_001362754.1); short protein forms R91H, R94H, R10H, R120H.
Identifiers: ClinVar variation 1904575 (VCV001904575.2), dbSNP rs762232344, ClinGen allele CA4195221.